The following is an entry in ClinVar:

ClinVar aggregate classification (germline): Uncertain significance. Review status: criteria provided, single submitter (1 of 4 stars). 2 submissions from 2 submitters: Uncertain significance (1). 1 of the submissions does not count toward it. Last evaluated 2021-09-01.

Conditions:
Lipodystrophy, partial, acquired, susceptibility to (APLD). Also called: APLD, SUSCEPTIBILITY TO. Identifiers: MedGen C3887501, MONDO:0100476, OMIM 608709.
Progressive myoclonic epilepsy type 9. Identifiers: Orphanet 457265, MedGen C4225289, MONDO:0014685, OMIM 616540.

Allele frequency attached by ClinVar (database versions not stated): gnomAD exomes below 0.00001 and 0.00001; ExAC 0.00001; gnomAD 0.00001; TOPMed 0.00001.
gnomAD v4.1: 12 of 1,613,942 alleles (0.00074%); highest among the groups gnomAD compares: Admixed American, 0.0017%; no homozygotes.

Submissions (2):

Labcorp Genetics (formerly Invitae), Labcorp
Classification: Uncertain significance for Progressive myoclonic epilepsy type 9; Lipodystrophy, partial, acquired, susceptibility to. Last evaluated: 2021-09-01. Review status: criteria provided, single submitter. Criteria: Invitae Variant Classification Sherloc (09022015). Collection method: clinical testing. Allele origin: germline.

Solve-RD Consortium
Classification: Likely pathogenic for Lipodystrophy, partial, acquired, susceptibility to. Last evaluated: 2022-06-01. Review status: no assertion criteria provided. Collection method: provider interpretation. Allele origin: inherited. Affected: yes. Not counted in ClinVar's aggregate classification.
Comment: Variant confirmed as disease-causing by referring clinical team

Variant identified during reanalysis of unsolved cases by the Solve-RD project. The Solve-RD project has received funding from the European Union’s Horizon 2020 research and innovation programme under grant agreement No 779257.

Literature cited by the submitters: PubMed 39825153 (cited by Solve-RD Consortium).

NM_032737.4(LMNB2):c.605C>T (p.Thr202Met)

Gene: LMNB2 (lamin B2; minus strand). Cytogenetic location: 19p13.3.
Variant type: single nucleotide variant.
Coding change: c.605C>T on transcript NM_032737.4 (MANE Select); coding-DNA position 605, C replaced by T.
Protein change: p.Thr202Met; replaces threonine 202 with methionine.
Molecular consequence: missense variant.
Genome position (GRCh38, 1-based): chr19:2,438,242, G>A on the plus strand (C>T on the coding strand, the complement: LMNB2 is on the minus strand). VCF-style: chr19-2438242-G-A. GRCh37 (hg19) VCF-style: chr19-2438240-G-A.
Other names: short protein forms T202M.
Identifiers: ClinVar variation 1055671 (VCV001055671.5), dbSNP rs763985079, ClinGen allele CA9067834.